The following is an entry in ClinVar:

ClinVar aggregate classification (germline): Uncertain significance. Review status: criteria provided, multiple submitters, no conflicts (2 of 4 stars). 3 submissions from 3 submitters: Uncertain significance (3). Last evaluated 2025-02-04.

Conditions:
Cardiovascular phenotype. Identifiers: MedGen CN230736.
Brugada syndrome 5 (BRGDA5). Identifiers: Orphanet 130, Orphanet 871, MedGen C2748541, MONDO:0013015, OMIM 612838.
Generalized epilepsy with febrile seizures plus, type 1 (GEFSP1). Also called: GEFS+, TYPE 1. Identifiers: Orphanet 36387, MedGen C1858672, MONDO:0011416, OMIM 604233.
Atrial fibrillation, familial, 13 (ATFB13). Identifiers: MedGen C3809311, MONDO:0014155, OMIM 615377.
Developmental and epileptic encephalopathy, 52 (DEE52). Also called: Epileptic encephalopathy, early infantile, 52. Identifiers: MedGen C4479236, MONDO:0033361, OMIM 617350.

Submissions (3):

Ambry Genetics
Classification: Uncertain significance for Cardiovascular phenotype. Last evaluated: 2025-02-04. Review status: criteria provided, single submitter. Criteria: Ambry Variant Classification Scheme 2023. Collection method: clinical testing. Allele origin: germline.
Comment: The p.A155S variant (also known as c.463G>T), located in coding exon 4 of the SCN1B gene, results from a G to T substitution at nucleotide position 463. The alanine at codon 155 is replaced by serine, an amino acid with similar properties. This amino acid position is conserved. In addition, this alteration is predicted to be deleterious by in silico analysis. Based on the available evidence, the clinical significance of this variant remains unclear.

GeneDx
Classification: Uncertain significance. Last evaluated: 2024-07-29. Review status: criteria provided, single submitter. Criteria: GeneDx Variant Classification Process June 2021. Collection method: clinical testing. Allele origin: germline. Affected: yes.
Comment: Not observed at significant frequency in large population cohorts (gnomAD); In silico analysis indicates that this missense variant does not alter protein structure/function; Has not been previously published as pathogenic or benign to our knowledge

Fulgent Genetics
Classification: Uncertain significance for Generalized epilepsy with febrile seizures plus, type 1; Brugada syndrome 5; Atrial fibrillation, familial, 13; Developmental and epileptic encephalopathy, 52. Last evaluated: 2024-02-08. Review status: criteria provided, single submitter. Criteria: ACMG Guidelines, 2015. Collection method: clinical testing. Allele origin: germline.

NM_001037.5(SCN1B):c.463G>T (p.Ala155Ser)

Gene: SCN1B (sodium voltage-gated channel beta subunit 1; plus strand). Cytogenetic location: 19q13.11.
Variant type: single nucleotide variant.
Coding change: c.463G>T on transcript NM_001037.5 (MANE Select); coding-DNA position 463, G replaced by T.
Protein change: p.Ala155Ser; replaces alanine 155 with serine.
Molecular consequence: missense variant.
Genome position (GRCh38, 1-based): chr19:35,039,131, G>T. VCF-style: chr19-35039131-G-T. GRCh37 (hg19) VCF-style: chr19-35530035-G-T.
Other names: c.463G>T (NM_001037.4); c.364G>T, p.Ala122Ser (NM_001321605.2); short protein forms A122S, A155S.
Identifiers: ClinVar variation 3583635 (VCV003583635.3).